The following is an entry in ClinVar:

ClinVar aggregate classification (germline): Uncertain significance (1 of 4 stars; one submission).

Submission:

Labcorp Genetics (formerly Invitae), Labcorp
Classification: Uncertain significance. Last evaluated: 2025-08-22. Review status: criteria provided, single submitter. Criteria: Invitae Variant Classification Sherloc (09022015). Collection method: clinical testing. Allele origin: germline.
Comment: This sequence change replaces serine, which is neutral and polar, with phenylalanine, which is neutral and non-polar, at codon 1136 of the AUTS2 protein (p.Ser1136Phe). This variant is not present in population databases (gnomAD no frequency). This variant has not been reported in the literature in individuals affected with AUTS2-related conditions. Invitae Evidence Modeling of protein sequence and biophysical properties (such as structural, functional, and spatial information, amino acid conservation, physicochemical variation, residue mobility, and thermodynamic stability) indicates that this missense variant is not expected to disrupt AUTS2 protein function with a negative predictive value of 80%. In summary, the available evidence is currently insufficient to determine the role of this variant in disease. Therefore, it has been classified as a Variant of Uncertain Significance.

NM_015570.4(AUTS2):c.3407C>T (p.Ser1136Phe)

Gene: AUTS2 (activator of transcription and developmental regulator AUTS2; plus strand). Cytogenetic location: 7q11.22.
Variant type: single nucleotide variant.
Coding change: c.3407C>T on transcript NM_015570.4 (MANE Select); coding-DNA position 3407, C replaced by T.
Protein change: p.Ser1136Phe; replaces serine 1136 with phenylalanine.
Molecular consequence: missense variant.
Genome position (GRCh38, 1-based): chr7:70,790,623, C>T. VCF-style: chr7-70790623-C-T. GRCh37 (hg19) VCF-style: chr7-70255609-C-T.
Other names: c.3335C>T, p.Ser1112Phe (NM_001127231.3); short protein forms S1112F, S1136F.
Identifiers: ClinVar variation 4749395 (VCV004749395.1).